The following is an entry in ClinVar:

ClinVar aggregate classification (germline): Pathogenic (1 of 4 stars; one submission).

Submission:

Labcorp Genetics (formerly Invitae), Labcorp
Classification: Pathogenic. Last evaluated: 2020-08-31. Review status: criteria provided, single submitter. Criteria: Invitae Variant Classification Sherloc (09022015). Collection method: clinical testing. Allele origin: germline.
Comment: This sequence change creates a premature translational stop signal (p.Ser1620Trpfs*58) in the EYS gene. It is expected to result in an absent or disrupted protein product. This variant is not present in population databases (ExAC no frequency). This variant has been observed in individual(s) with retinitis pigmentosa (Invitae). Loss-of-function variants in EYS are known to be pathogenic (PMID: 18836446, 20333770). For these reasons, this variant has been classified as Pathogenic.

Literature cited by the submitters: PubMed 18836446; PubMed 20333770.

NM_001142800.2(EYS):c.4859_4862del (p.Ser1620fs)

Gene: EYS (EGF-like photoreceptor maintenance factor; minus strand). Cytogenetic location: 6q12.
Variant type: Deletion.
Coding change: c.4859_4862del on transcript NM_001142800.2 (MANE Select); coding-DNA positions 4859 to 4862, 4 bases deleted (CAGT; older notation c.4859_4862delCAGT).
Protein change: p.Ser1620fs; shifts the reading frame from serine 1620.
Molecular consequence: frameshift variant.
Genome position (GRCh38, 1-based): chr6:64,591,005-64,591,008, ACTG deleted on the plus strand (CAGT on the coding strand, the reverse complement: EYS is on the minus strand); deleting any 4 consecutive bases within chr6:64,591,005-64,591,009 gives the same sequence; the c. name uses the placement nearest the transcript's 3' end. VCF-style (leftmost placement, unchanged base first): chr6-64591004-CACTG-C. GRCh37 (hg19) VCF-style: chr6-65300897-CACTG-C.
Other names: c.4859_4862del, p.Ser1620fs (NM_001292009.2); short protein forms S1620fs.
Identifiers: ClinVar variation 1076007 (VCV001076007.9), dbSNP rs1242324755, ClinGen allele CA568119130.